The following is an entry in ClinVar:

NM_001122659.3(EDNRB):c.952-14T>C

Genes: EDNRB (endothelin receptor type B; minus strand), EDNRB-AS1 (EDNRB antisense RNA 1; plus strand). Cytogenetic location: 13q22.3.
Variant type: single nucleotide variant.
Coding change: c.952-14T>C on transcript NM_001122659.3 (MANE Select); 14 bases into the intron before coding-DNA position 952, T replaced by C.
Molecular consequence: intron variant.
Genome position (GRCh38, 1-based): chr13:77,900,668, A>G on the plus strand (T>C on the coding strand, the complement: EDNRB is on the minus strand). VCF-style: chr13-77900668-A-G. GRCh37 (hg19) VCF-style: chr13-78474803-A-G.
Other names: c.952-14T>C (NM_000115.5, NM_003991.4); c.1222-14T>C (NM_001201397.2).
Identifiers: ClinVar variation 1473196 (VCV001473196.8), dbSNP rs199798249, ClinGen allele CA7012203.

ClinVar aggregate classification (germline): Uncertain significance (1 of 4 stars; one submission).

Allele frequency attached by ClinVar (database versions not stated): gnomAD 0.00005; gnomAD exomes 0.00006 and 0.00013; ExAC 0.00007; TOPMed 0.00007; ESP Exome Variant Server 0.00023.
gnomAD v4.1: 190 of 1,611,894 alleles (0.012%); highest among the groups gnomAD compares: Non-Finnish European, 0.015%; no homozygotes.

Submission:

Labcorp Genetics (formerly Invitae), Labcorp
Classification: Uncertain significance. Last evaluated: 2026-01-26. Review status: criteria provided, single submitter. Criteria: Invitae Variant Classification Sherloc (09022015). Collection method: clinical testing. Allele origin: germline.
Comment: This sequence change falls in intron 5 of the EDNRB gene. It does not directly change the encoded amino acid sequence of the EDNRB protein. This variant is present in population databases (rs199798249, gnomAD 0.01%). This variant has been observed in individual(s) with Hirschsprung disease (PMID: 14633923). This variant is also known as IVS4-14T>C. ClinVar contains an entry for this variant (Variation ID: 1473196). Algorithms developed to predict the effect of sequence changes on RNA splicing suggest that this variant may disrupt the consensus splice site. In summary, the available evidence is currently insufficient to determine the role of this variant in disease. Therefore, it has been classified as a Variant of Uncertain Significance.

Literature cited by the submitters: PubMed 14633923.